The following is an entry in ClinVar:

NM_001363711.2(DUOX2):c.4049C>T (p.Pro1350Leu)

Gene: DUOX2 (dual oxidase 2; minus strand). Cytogenetic location: 15q21.1.
Variant type: single nucleotide variant.
Coding change: c.4049C>T on transcript NM_001363711.2 (MANE Select); coding-DNA position 4049, C replaced by T.
Protein change: p.Pro1350Leu; replaces proline 1350 with leucine.
Molecular consequence: missense variant.
Genome position (GRCh38, 1-based): chr15:45,095,859, G>A on the plus strand (C>T on the coding strand, the complement: DUOX2 is on the minus strand). VCF-style: chr15-45095859-G-A. GRCh37 (hg19) VCF-style: chr15-45388057-G-A.
Other names: c.4049C>T, p.Pro1350Leu (NM_014080.5); short protein forms P1350L.
Identifiers: ClinVar variation 316141 (VCV000316141.17), dbSNP rs140035596, ClinGen allele CA7537659.
Genomic context (GRCh38, chr15:45,095,859, plus strand): 5'-CCGGAAGCAGGGTTCCCAGTGACGGGCACCTTTGGGTATCCAGCACAGCCATTGCCCTTT[G>A]GGGATGAGTAGATCTCCCTGAGGCGAGTGGTCCAGGGCCCCACTGCCCGGATGTGCAGGC-3'
Protein context (NP_001350640.1, residues 1340-1360): TTRLREIYSS[Pro1350Leu]KGNGCAGYPK

ClinVar aggregate classification (germline): Conflicting classifications of pathogenicity. Review status: criteria provided, conflicting classifications (1 of 4 stars). 5 submissions from 5 submitters: Uncertain significance (2); Benign (1); Likely benign (2). Last evaluated 2026-06-22.

Conditions:
Thyroid dyshormonogenesis 6 (TDH6). Also called: THYROID HORMONOGENESIS, GENETIC DEFECT IN, 6; HYPOTHYROIDISM, CONGENITAL, DUE TO DYSHORMONOGENESIS, 6; Genetic transient congenital hypothyroidism. Identifiers: Orphanet 226316, Orphanet 95716, MedGen C1846632, MONDO:0011792, OMIM 607200.
DUOX2-related disorder. Also called: DUOX2-related condition.

Allele frequency attached by ClinVar (database versions not stated): gnomAD 0.00014 and 0.00017; ESP Exome Variant Server 0.00015; TOPMed 0.00024; ExAC 0.00036; gnomAD exomes 0.00039; 1000 Genomes Project 30x 0.00078; 1000 Genomes Project 0.00080.
gnomAD v4.1: 308 of 1,614,064 alleles (0.019%); highest among the groups gnomAD compares: South Asian, 0.089%; no homozygotes.

Submissions (5):

PreventionGenetics, part of Exact Sciences
Classification: Likely benign for DUOX2-related condition. Last evaluated: 2026-06-22. Review status: criteria provided, single submitter. Criteria: ACMG Guidelines, 2015. Collection method: clinical testing. Allele origin: germline.
Comment: This variant is classified as likely benign based on ACMG/AMP sequence variant interpretation guidelines (Richards et al. 2015 PMID: 25741868, with internal and published modifications).

Labcorp Genetics (formerly Invitae), Labcorp
Classification: Benign. Last evaluated: 2025-12-22. Review status: criteria provided, single submitter. Criteria: Invitae Variant Classification Sherloc (09022015). Collection method: clinical testing. Allele origin: germline.

Women's Health and Genetics/Laboratory Corporation of America, LabCorp
Classification: Likely benign. Last evaluated: 2025-04-09. Review status: criteria provided, single submitter. Criteria: LabCorp Variant Classification Summary - May 2015. Collection method: clinical testing. Allele origin: germline.
Comment: Variant summary: DUOX2 c.4049C>T (p.Pro1350Leu) results in a non-conservative amino acid change in the encoded protein sequence. Four of five in-silico tools predict a benign effect of the variant on protein function. The variant allele was found at a frequency of 0.00019 in 1614064 control chromosomes, predominantly at a frequency of 0.0026 within the Ashkenazi Jewish subpopulation in the gnomAD database. The observed variant frequency within Ashkenazi Jewish control individuals in the gnomAD database exceeds the estimated maximal expected allele frequency for a pathogenic variant in DUOX2 causing Thyroid Dyshormonogenesis 6 phenotype. To our knowledge, no occurrence of c.4049C>T in individuals affected with Thyroid Dyshormonogenesis 6 and no experimental evidence demonstrating its impact on protein function have been reported. ClinVar contains an entry for this variant (Variation ID: 316141). Based on the evidence outlined above, the variant was classified as likely benign.

Revvity Omics, Revvity
Classification: Uncertain significance for Thyroid dyshormonogenesis 6. Last evaluated: 2022-05-17. Review status: criteria provided, single submitter. Criteria: ACMG Guidelines, 2015. Collection method: clinical testing. Allele origin: germline.

Illumina Laboratory Services, Illumina
Classification: Uncertain significance for Thyroid dyshormonogenesis 6. Last evaluated: 2018-01-13. Review status: criteria provided, single submitter. Criteria: ICSL Variant Classification Criteria 13 December 2019. Collection method: clinical testing. Allele origin: germline.